The following is an entry in ClinVar:

ClinVar aggregate classification (germline): Uncertain significance (1 of 4 stars; one submission).

Conditions:
Spondyloepiphyseal dysplasia with congenital joint dislocations (SEDCJD). Also called: Chondrodysplasia with Congenital Joint Dislocations, CHST3-Related. Identifiers: Orphanet 263463, MedGen C1837657, MONDO:0007738, OMIM 143095.

Allele frequency attached by ClinVar (database versions not stated): gnomAD exomes 0.00003.
gnomAD v4.1: 38 of 1,602,336 alleles (0.0024%); highest among the groups gnomAD compares: Non-Finnish European, 0.0031%; no homozygotes.

Submission:

Labcorp Genetics (formerly Invitae), Labcorp
Classification: Uncertain significance for Spondyloepiphyseal dysplasia with congenital joint dislocations. Last evaluated: 2022-08-23. Review status: criteria provided, single submitter. Criteria: Invitae Variant Classification Sherloc (09022015). Collection method: clinical testing. Allele origin: germline.
Comment: This sequence change replaces cysteine, which is neutral and slightly polar, with tyrosine, which is neutral and polar, at codon 264 of the CHST3 protein (p.Cys264Tyr). This variant is present in population databases (no rsID available, gnomAD 0.003%). This missense change has been observed in individual(s) with CHST3-related clinical features (PMID: 20830804). Algorithms developed to predict the effect of missense changes on protein structure and function (SIFT, PolyPhen-2, Align-GVGD) all suggest that this variant is likely to be disruptive. In summary, the available evidence is currently insufficient to determine the role of this variant in disease. Therefore, it has been classified as a Variant of Uncertain Significance.

Literature cited by the submitters: PubMed 20830804.

NM_004273.5(CHST3):c.791G>A (p.Cys264Tyr)

Gene: CHST3 (carbohydrate sulfotransferase 3; plus strand). Cytogenetic location: 10q22.1.
Variant type: single nucleotide variant.
Coding change: c.791G>A on transcript NM_004273.5 (MANE Select); coding-DNA position 791, G replaced by A.
Protein change: p.Cys264Tyr; replaces cysteine 264 with tyrosine.
Molecular consequence: missense variant.
Genome position (GRCh38, 1-based): chr10:72,007,822, G>A. VCF-style: chr10-72007822-G-A. GRCh37 (hg19) VCF-style: chr10-73767580-G-A.
Other names: short protein forms C264Y.
Identifiers: ClinVar variation 2136894 (VCV002136894.1), dbSNP rs942951728, ClinGen allele CA209479239.